The following is an entry in ClinVar:

ClinVar aggregate classification (germline): Pathogenic (1 of 4 stars; one submission).

Submission:

Labcorp Genetics (formerly Invitae), Labcorp
Classification: Pathogenic. Last evaluated: 2023-06-23. Review status: criteria provided, single submitter. Criteria: Invitae Variant Classification Sherloc (09022015). Collection method: clinical testing. Allele origin: germline.
Comment: This sequence change creates a premature translational stop signal (p.Lys11*) in the EIF2B1 gene. It is expected to result in an absent or disrupted protein product. Loss-of-function variants in EIF2B1 are known to be pathogenic (PMID: 11835386, 32865661). This variant is not present in population databases (gnomAD no frequency). This variant has not been reported in the literature in individuals affected with EIF2B1-related conditions. Algorithms developed to predict the effect of sequence changes on RNA splicing suggest that this variant may create or strengthen a splice site. For these reasons, this variant has been classified as Pathogenic.

Literature cited by the submitters: PubMed 11835386; PubMed 32865661.

NM_001414.4(EIF2B1):c.30dup (p.Lys11Ter)

Gene: EIF2B1 (eukaryotic translation initiation factor 2B subunit alpha; minus strand). Cytogenetic location: 12q24.31.
Variant type: Duplication.
Coding change: c.30dup on transcript NM_001414.4 (MANE Select); coding-DNA position 30, one base duplicated (T; older notation c.30dupT).
Protein change: p.Lys11Ter; replaces lysine 11 with a stop codon.
Molecular consequence: nonsense.
Genome position (GRCh38, 1-based): chr12:123,632,430, A duplicated on the plus strand (T on the coding strand, the reverse complement: EIF2B1 is on the minus strand); the first of 3 consecutive A bases (chr12:123,632,430-123,632,432); duplicating any one gives the same sequence. VCF-style (leftmost placement, unchanged base first): chr12-123632429-T-TA. GRCh37 (hg19) VCF-style: chr12-124116976-T-TA.
Other names: short protein forms K11*.
Identifiers: ClinVar variation 2962147 (VCV002962147.3), dbSNP rs1955201439, ClinGen allele CA2575341248.